The following is an entry in ClinVar:

NM_001042492.3(NF1):c.1411A>G (p.Lys471Glu)

Gene: NF1 (neurofibromin 1; plus strand). Cytogenetic location: 17q11.2.
Variant type: single nucleotide variant.
Coding change: c.1411A>G on transcript NM_001042492.3 (MANE Select); coding-DNA position 1411, A replaced by G.
Protein change: p.Lys471Glu; replaces lysine 471 with glutamic acid.
Molecular consequence: missense variant.
Genome position (GRCh38, 1-based): chr17:31,214,469, A>G. VCF-style: chr17-31214469-A-G. GRCh37 (hg19) VCF-style: chr17-29541487-A-G.
Other names: c.1411A>G, p.Lys471Glu (NM_000267.4, NM_001128147.3); short protein forms K471E.
Identifiers: ClinVar variation 3879103 (VCV003879103.2).

ClinVar aggregate classification (germline): Uncertain significance. Review status: criteria provided, multiple submitters, no conflicts (2 of 4 stars). 2 submissions from 2 submitters: Uncertain significance (2). Last evaluated 2025-05-28.

Conditions:
Cardiovascular phenotype. Identifiers: MedGen CN230736.
Hereditary cancer-predisposing syndrome. Also called: Tumor predisposition; Neoplastic Syndromes, Hereditary; Hereditary Cancer Syndrome; Hereditary neoplastic syndrome. Identifiers: Orphanet 140162, MedGen C0027672, MeSH D009386, MONDO:0015356.

Submissions (2):

GeneDx
Classification: Uncertain significance. Last evaluated: 2025-05-28. Review status: criteria provided, single submitter. Criteria: GeneDx Variant Classification Process June 2021. Collection method: clinical testing. Allele origin: germline. Affected: yes.
Comment: Not observed at significant frequency in large population cohorts (gnomAD); In silico analysis supports that this missense variant has a deleterious effect on protein structure/function; Has not been previously published as pathogenic or benign to our knowledge

Ambry Genetics
Classification: Uncertain significance for Cardiovascular phenotype; Hereditary cancer-predisposing syndrome. Last evaluated: 2025-02-12. Review status: criteria provided, single submitter. Criteria: Ambry Variant Classification Scheme 2023. Collection method: clinical testing. Allele origin: germline.
Comment: The p.K471E variant (also known as c.1411A>G), located in coding exon 13 of the NF1 gene, results from an A to G substitution at nucleotide position 1411. The lysine at codon 471 is replaced by glutamic acid, an amino acid with similar properties. This amino acid position is conserved. In addition, the in silico prediction for this alteration is inconclusive. Based on the available evidence, the clinical significance of this variant remains unclear.